The following is an entry in ClinVar:

NM_014714.4(IFT140):c.1656G>A (p.Glu552=)

Gene: IFT140 (intraflagellar transport 140; minus strand). Cytogenetic location: 16p13.3.
Variant type: single nucleotide variant.
Coding change: c.1656G>A on transcript NM_014714.4 (MANE Select); coding-DNA position 1656, G replaced by A.
Protein change: p.Glu552=; no amino-acid change (glutamic acid 552 retained).
Molecular consequence: synonymous variant.
Genome position (GRCh38, 1-based): chr16:1,568,331, C>T on the plus strand (G>A on the coding strand, the complement: IFT140 is on the minus strand). VCF-style: chr16-1568331-C-T. GRCh37 (hg19) VCF-style: chr16-1618332-C-T.
Other names: c.1656G>A (NM_014714.3).
Identifiers: ClinVar variation 1627408 (VCV001627408.10), dbSNP rs1188167246, ClinGen allele CA492924022.

ClinVar aggregate classification (germline): Likely benign. Review status: criteria provided, multiple submitters, no conflicts (2 of 4 stars). 3 submissions from 3 submitters: Likely benign (3). Last evaluated 2026-01-14.

Conditions:
Saldino-Mainzer syndrome (SRTD9). Also called: Renal dysplasia, retinal pigmentary dystrophy, cerebellar ataxia and skeletal dysplasia; short-rib thoracic dysplasia 9 with or without polydactyly; SHORT-RIB THORACIC DYSPLASIA 9 WITHOUT POLYDACTYLY; CONORENAL SYNDROME. Identifiers: Orphanet 140969, MedGen C1849437, MONDO:0009964, OMIM 266920.
IFT140-related disorder. Also called: IFT140-related condition.

Allele frequency attached by ClinVar (database versions not stated): gnomAD exomes below 0.00001; TOPMed 0.00001.
gnomAD v4.1: 3 of 1,613,310 alleles (0.00019%); highest among the groups gnomAD compares: East Asian, 0.0045%; no homozygotes.

Submissions (3):

Labcorp Genetics (formerly Invitae), Labcorp
Classification: Likely benign for Saldino-Mainzer syndrome. Last evaluated: 2026-01-14. Review status: criteria provided, single submitter. Criteria: Invitae Variant Classification Sherloc (09022015). Collection method: clinical testing. Allele origin: germline.

PreventionGenetics, part of Exact Sciences
Classification: Likely benign for IFT140-related condition. Last evaluated: 2025-08-14. Review status: criteria provided, single submitter. Criteria: ACMG Guidelines, 2015. Collection method: clinical testing. Allele origin: germline.
Comment: This variant is classified as likely benign based on ACMG/AMP sequence variant interpretation guidelines (Richards et al. 2015 PMID: 25741868, with internal and published modifications).

Blueprint Genetics
Classification: Likely benign. Last evaluated: 2022-10-13. Review status: criteria provided, single submitter. Criteria: ACMG Guidelines, 2015. Collection method: clinical testing. Allele origin: germline.